The following is an entry in ClinVar:

NM_001127898.4(CLCN5):c.2199G>A (p.Thr733=)

Genes: CLCN5 (chloride voltage-gated channel 5; plus strand), LOC126863258 (BRD4-independent group 4 enhancer GRCh37_chrX:49854497-49855696; plus strand). Cytogenetic location: Xp11.23.
Variant type: single nucleotide variant.
Coding change: c.2199G>A on transcript NM_001127898.4 (MANE Select); coding-DNA position 2199, G replaced by A.
Protein change: p.Thr733=; no amino-acid change (threonine 733 retained).
Molecular consequence: synonymous variant.
Genome position (GRCh38, 1-based): chrX:50,090,725, G>A. VCF-style: chrX-50090725-G-A. GRCh37 (hg19) VCF-style: chrX-49855382-G-A.
Other names: c.1989G>A, p.Thr663= (NM_000084.5); c.2199G>A, p.Thr733= (NM_001127899.4); c.2049G>A, p.Thr683= (NM_001282163.2).
Identifiers: ClinVar variation 2627198 (VCV002627198.2), dbSNP rs782071629, ClinGen allele CA10413975.

ClinVar aggregate classification (germline): Conflicting classifications of pathogenicity. Review status: criteria provided, conflicting classifications (1 of 4 stars). 2 submissions from 2 submitters: Uncertain significance (1); Likely benign (1). Last evaluated 2026-01-17.

Allele frequency attached by ClinVar (database versions not stated): TOPMed below 0.00001; gnomAD exomes 0.00001; ExAC 0.00004.
gnomAD v4.1: 13 of 1,210,348 alleles (0.0011%); highest among the groups gnomAD compares: African/African-American, 0.0017%; no homozygotes.

Submissions (2):

Labcorp Genetics (formerly Invitae), Labcorp
Classification: Uncertain significance. Last evaluated: 2026-01-17. Review status: criteria provided, single submitter. Criteria: Invitae Variant Classification Sherloc (09022015). Collection method: clinical testing. Allele origin: germline.
Comment: This sequence change affects codon 663 of the CLCN5 mRNA. It is a 'silent' change, meaning that it does not change the encoded amino acid sequence of the CLCN5 protein. The frequency data for this variant in the population databases is considered unreliable, as metrics indicate poor data quality at this position in the gnomAD database. This variant has not been reported in the literature in individuals affected with CLCN5-related conditions. ClinVar contains an entry for this variant (Variation ID: 2627198). Algorithms developed to predict the effect of sequence changes on RNA splicing suggest that this variant may disrupt the consensus splice site. In summary, the available evidence is currently insufficient to determine the role of this variant in disease. Therefore, it has been classified as a Variant of Uncertain Significance.

Women's Health and Genetics/Laboratory Corporation of America, LabCorp
Classification: Likely benign. Last evaluated: 2023-09-12. Review status: criteria provided, single submitter. Criteria: LabCorp Variant Classification Summary - May 2015. Collection method: clinical testing. Allele origin: germline.